The following is an entry in ClinVar:

NM_001130987.2(DYSF):c.5022C>T (p.Cys1674=)

Gene: DYSF (dysferlin; plus strand). Cytogenetic location: 2p13.2.
Variant type: single nucleotide variant.
Coding change: c.5022C>T on transcript NM_001130987.2 (MANE Select); coding-DNA position 5022, C replaced by T.
Protein change: p.Cys1674=; no amino-acid change (cysteine 1674 retained).
Molecular consequence: synonymous variant.
Genome position (GRCh38, 1-based): chr2:71,664,286, C>T. VCF-style: chr2-71664286-C-T. GRCh37 (hg19) VCF-style: chr2-71891416-C-T.
Other names: c.4908C>T, p.Cys1636= (NM_001130455.2); c.4863C>T, p.Cys1621= (NM_001130976.2); c.4926C>T, p.Cys1642= (NM_001130977.2); c.4968C>T, p.Cys1656= (NM_001130978.2); c.4998C>T, p.Cys1666= (NM_001130979.2); c.4956C>T, p.Cys1652= (NM_001130980.2); c.5019C>T, p.Cys1673= (NM_001130981.2); c.5001C>T, p.Cys1667= (NM_001130982.2); and 5 more.
Identifiers: ClinVar variation 390317 (VCV000390317.12), dbSNP rs149989207, ClinGen allele CA1707226.

ClinVar aggregate classification (germline): Likely benign. Review status: criteria provided, multiple submitters, no conflicts (2 of 4 stars). 4 submissions from 4 submitters: Likely benign (3). 1 of the submissions does not count toward it. Last evaluated 2025-08-05.

Conditions:
Neuromuscular disease caused by qualitative or quantitative defects of dysferlin. Also called: Dysferlinopathy; Qualitative or quantitative defects of dysferlin. Identifiers: Orphanet 207073, MedGen C2931687, MONDO:0016145.
DYSF-related disorder. Also called: DYSF-related condition; DYSF-related disorders.

Allele frequency attached by ClinVar (database versions not stated): gnomAD exomes 0.00001 and 0.00002; ExAC 0.00003; ESP Exome Variant Server 0.00008; TOPMed 0.00015; gnomAD 0.00016 and 0.00018.
gnomAD v4.1: 34 of 1,614,030 alleles (0.0021%); highest among the groups gnomAD compares: African/African-American, 0.044%; no homozygotes.

Submissions (4):

Labcorp Genetics (formerly Invitae), Labcorp
Classification: Likely benign for Neuromuscular disease caused by qualitative or quantitative defects of dysferlin. Last evaluated: 2025-08-05. Review status: criteria provided, single submitter. Criteria: Invitae Variant Classification Sherloc (09022015). Collection method: clinical testing. Allele origin: germline.

Athena Diagnostics
Classification: Likely benign. Last evaluated: 2020-07-17. Review status: criteria provided, single submitter. Criteria: Athena Diagnostics Criteria. Collection method: clinical testing. Allele origin: unknown.

GeneDx
Classification: Likely benign. Last evaluated: 2016-11-04. Review status: criteria provided, single submitter. Criteria: GeneDx Variant Classification (06012015). Collection method: clinical testing. Allele origin: germline. Affected: yes.
Comment: This variant is considered likely benign or benign based on one or more of the following criteria: it is a conservative change, it occurs at a poorly conserved position in the protein, it is predicted to be benign by multiple in silico algorithms, and/or has population frequency not consistent with disease.

PreventionGenetics, part of Exact Sciences
Classification: Likely benign for DYSF-related condition. Last evaluated: 2022-10-19. Review status: no assertion criteria provided. Collection method: clinical testing. Allele origin: germline. Not counted in ClinVar's aggregate classification.
Comment: This variant is classified as likely benign based on ACMG/AMP sequence variant interpretation guidelines (Richards et al. 2015 PMID: 25741868, with internal and published modifications).